The following is an entry in ClinVar:

ClinVar aggregate classification (germline): Uncertain significance (1 of 4 stars; one submission).

Conditions:
Inborn genetic diseases. Identifiers: MedGen C0950123, MeSH D030342.

Allele frequency attached by ClinVar (database versions not stated): gnomAD exomes below 0.00001.
gnomAD v4.1: 7 of 1,614,192 alleles (0.00043%); highest among the groups gnomAD compares: Non-Finnish European, 0.00025%; no homozygotes.

Submission:

Ambry Genetics
Classification: Uncertain significance for Inborn genetic diseases. Last evaluated: 2022-10-02. Review status: criteria provided, single submitter. Criteria: Ambry Variant Classification Scheme 2023. Collection method: clinical testing. Allele origin: germline.
Comment: The p.I513T variant (also known as c.1538T>C), located in coding exon 11 of the MIB1 gene, results from a T to C substitution at nucleotide position 1538. The isoleucine at codon 513 is replaced by threonine, an amino acid with similar properties. This amino acid position is conserved. In addition, the in silico prediction for this alteration is inconclusive. Since supporting evidence is limited at this time, the clinical significance of this alteration remains unclear.

NM_020774.4(MIB1):c.1538T>C (p.Ile513Thr)

Gene: MIB1 (MIB E3 ubiquitin protein ligase 1; plus strand). Cytogenetic location: 18q11.2.
Variant type: single nucleotide variant.
Coding change: c.1538T>C on transcript NM_020774.4 (MANE Select); coding-DNA position 1538, T replaced by C.
Protein change: p.Ile513Thr; replaces isoleucine 513 with threonine.
Molecular consequence: missense variant.
Genome position (GRCh38, 1-based): chr18:21,815,674, T>C. VCF-style: chr18-21815674-T-C. GRCh37 (hg19) VCF-style: chr18-19395635-T-C.
Other names: short protein forms I513T.
Identifiers: ClinVar variation 1774761 (VCV001774761.2), dbSNP rs1568213234, ClinGen allele CA401757938.
Genomic context (GRCh38, chr18:21,815,674, plus strand): 5'-AGGATAAAGATGGTGATAGAGCAGTTCACCATGCAGCTTTTGGAGATGAAGGCGCTGTTA[T>C]AGAAGTACTACATCGAGGTAGTGCTGATTTGAATGCTCGAAACAAGCGCCGACAGACACC-3'
Protein context (NP_065825.1, residues 503-523): HAAFGDEGAV[Ile513Thr]EVLHRGSADL